The following is an entry in ClinVar:

ClinVar aggregate classification (germline): Benign/Likely benign. Review status: criteria provided, multiple submitters, no conflicts (2 of 4 stars). 4 submissions from 4 submitters: Benign (2); Likely benign (2). Last evaluated 2025-12-15.

Conditions:
RASopathy. Also called: rasopathies; Noonan spectrum disorder. Identifiers: Orphanet 536391, MedGen C5555857, MONDO:0021060.

Allele frequency attached by ClinVar (database versions not stated): gnomAD 0.00001; ExAC 0.00002; TOPMed 0.00002; gnomAD exomes 0.00003 and 0.00007.
gnomAD v4.1: 22 of 1,609,854 alleles (0.0014%); highest among the groups gnomAD compares: Admixed American, 0.037%; no homozygotes.

Submissions (4):

Labcorp Genetics (formerly Invitae), Labcorp
Classification: Likely benign for RASopathy. Last evaluated: 2025-12-15. Review status: criteria provided, single submitter. Criteria: Invitae Variant Classification Sherloc (09022015). Collection method: clinical testing. Allele origin: germline.

Women's Health and Genetics/Laboratory Corporation of America, LabCorp
Classification: Benign. Last evaluated: 2025-09-02. Review status: criteria provided, single submitter. Criteria: LabCorp Variant Classification Summary - May 2015. Collection method: clinical testing. Allele origin: germline.
Comment: Variant summary: NRAS c.450+18G>T alters a nucleotide located at a position not widely known to affect splicing. Consensus agreement among computation tools predict no significant impact on normal splicing. However, these predictions have yet to be confirmed by functional studies. The variant allele was found at a frequency of 6.8e-05 in 251432 control chromosomes, predominantly at a frequency of 0.00049 within the Latino subpopulation in the gnomAD database. The observed variant frequency within Latino control individuals in the gnomAD database exceeds the estimated maximal expected allele frequency for disease-causing variants in NRAS. To our knowledge, no occurrence of c.450+18G>T in individuals affected with NRAS-related conditions and no experimental evidence demonstrating its impact on protein function have been reported. ClinVar contains an entry for this variant (Variation ID: 378278). Based on the evidence outlined above, the variant was classified as benign.

Blueprint Genetics
Classification: Likely benign. Last evaluated: 2021-02-26. Review status: criteria provided, single submitter. Criteria: ACMG Guidelines, 2015. Collection method: clinical testing. Allele origin: germline.

GeneDx
Classification: Benign. Last evaluated: 2016-11-22. Review status: criteria provided, single submitter. Criteria: GeneDx Variant Classification (06012015). Collection method: clinical testing. Allele origin: germline. Affected: yes.
Comment: This variant is considered likely benign or benign based on one or more of the following criteria: it is a conservative change, it occurs at a poorly conserved position in the protein, it is predicted to be benign by multiple in silico algorithms, and/or has population frequency not consistent with disease.

Literature cited by the submitters: PubMed 26980726 (cited by Women's Health and Genetics/Laboratory Corporation of America, LabCorp); PubMed 27121720 (cited by Women's Health and Genetics/Laboratory Corporation of America, LabCorp); PubMed 24806883 (cited by Women's Health and Genetics/Laboratory Corporation of America, LabCorp); PubMed 17671181 (cited by Women's Health and Genetics/Laboratory Corporation of America, LabCorp); PubMed 23325582 (cited by Women's Health and Genetics/Laboratory Corporation of America, LabCorp); PubMed 22220252 (cited by Women's Health and Genetics/Laboratory Corporation of America, LabCorp); PubMed 23708912 (cited by Women's Health and Genetics/Laboratory Corporation of America, LabCorp); PubMed 29692343 (cited by Women's Health and Genetics/Laboratory Corporation of America, LabCorp); PubMed 27276561 (cited by Women's Health and Genetics/Laboratory Corporation of America, LabCorp); PubMed 27069254 (cited by Women's Health and Genetics/Laboratory Corporation of America, LabCorp).

NM_002524.5(NRAS):c.450+18G>T

Gene: NRAS (NRAS proto-oncogene, GTPase; minus strand). Cytogenetic location: 1p13.2.
Variant type: single nucleotide variant.
Coding change: c.450+18G>T on transcript NM_002524.5 (MANE Select); 18 bases into the intron after coding-DNA position 450, G replaced by T.
Molecular consequence: intron variant.
Genome position (GRCh38, 1-based): chr1:114,709,551, C>A on the plus strand (G>T on the coding strand, the complement: NRAS is on the minus strand). VCF-style: chr1-114709551-C-A. GRCh37 (hg19) VCF-style: chr1-115252172-C-A.
Other names: c.450+18G>T (LRG_92t1).
Identifiers: ClinVar variation 378278 (VCV000378278.10), dbSNP rs766994734, ClinGen allele CA1020705.